The following is an entry in ClinVar:

NM_022765.4(MICAL1):c.2051C>T (p.Pro684Leu)

Gene: MICAL1 (microtubule associated monooxygenase, calponin and LIM domain containing 1; minus strand). Cytogenetic location: 6q21.
Variant type: single nucleotide variant.
Coding change: c.2051C>T on transcript NM_022765.4 (MANE Select); coding-DNA position 2051, C replaced by T.
Protein change: p.Pro684Leu; replaces proline 684 with leucine.
Molecular consequence: missense variant.
Genome position (GRCh38, 1-based): chr6:109,447,376, G>A on the plus strand (C>T on the coding strand, the complement: MICAL1 is on the minus strand). VCF-style: chr6-109447376-G-A. GRCh37 (hg19) VCF-style: chr6-109768579-G-A.
Other names: c.1793C>T, p.Pro598Leu (NM_001159291.2); c.2108C>T, p.Pro703Leu (NM_001286613.2); short protein forms P684L, P598L, P703L.
Identifiers: ClinVar variation 1931284 (VCV001931284.5), dbSNP rs747240209, ClinGen allele CA3953095.

ClinVar aggregate classification (germline): Uncertain significance (1 of 4 stars; one submission).

Allele frequency attached by ClinVar (database versions not stated): ExAC 0.00001; gnomAD exomes 0.00001.
gnomAD v4.1: 8 of 1,613,828 alleles (0.0005%); highest among the groups gnomAD compares: South Asian, 0.0088%; no homozygotes.

Submission:

Labcorp Genetics (formerly Invitae), Labcorp
Classification: Uncertain significance. Last evaluated: 2025-08-13. Review status: criteria provided, single submitter. Criteria: Invitae Variant Classification Sherloc (09022015). Collection method: clinical testing. Allele origin: germline.
Comment: This sequence change replaces proline, which is neutral and non-polar, with leucine, which is neutral and non-polar, at codon 703 of the MICAL1 protein (p.Pro703Leu). This variant is present in population databases (rs747240209, gnomAD 0.003%). This variant has not been reported in the literature in individuals affected with MICAL1-related conditions. ClinVar contains an entry for this variant (Variation ID: 1931284). An algorithm developed to predict the effect of missense changes on protein structure and function outputs the following: PolyPhen-2: "Benign". The leucine amino acid residue is found in multiple mammalian species, which suggests that this missense change does not adversely affect protein function. In summary, the available evidence is currently insufficient to determine the role of this variant in disease. Therefore, it has been classified as a Variant of Uncertain Significance.